The following is an entry in ClinVar:

NM_015221.4(DNMBP):c.1982A>G (p.Lys661Arg)

Genes: DNMBP (dynamin binding protein; minus strand), DNMBP-AS1 (DNMBP antisense RNA 1; plus strand). Cytogenetic location: 10q24.2.
Variant type: single nucleotide variant.
Coding change: c.1982A>G on transcript NM_015221.4 (MANE Select); coding-DNA position 1982, A replaced by G.
Protein change: p.Lys661Arg; replaces lysine 661 with arginine.
Molecular consequence: missense variant.
Genome position (GRCh38, 1-based): chr10:99,955,492, T>C on the plus strand (A>G on the coding strand, the complement: DNMBP is on the minus strand). VCF-style: chr10-99955492-T-C. GRCh37 (hg19) VCF-style: chr10-101715249-T-C.
Other names: short protein forms K661R.
Identifiers: ClinVar variation 3034405 (VCV003034405.2), dbSNP rs80174740, ClinGen allele CA5645084.
Genomic context (GRCh38, chr10:99,955,492, plus strand): 5'-ATATGACCAGGGCCCTCCTTTTCTAAGGTCTCACAGGTAGGACGGTGTCGAGATAGGAGC[T>C]TGGGGGATACCGCATTCGTTCTCTGCTGTGCTGAGGGAGGCAGGGGAGCTGGGCGAGAGG-3'
Protein context (NP_056036.1, residues 651-671): AQQRTNAVSP[Lys661Arg]LLSRHRPTCE

ClinVar aggregate classification (germline): Benign (0 of 4 stars; one submission).

Conditions:
DNMBP-related disorder. Also called: DNMBP-related condition.

Allele frequency attached by ClinVar (database versions not stated): 1000 Genomes Project 0.00280; 1000 Genomes Project 30x 0.00328; ExAC 0.00480; gnomAD 0.00602; TOPMed 0.00635; ESP Exome Variant Server 0.00761; gnomAD exomes 0.00915.
gnomAD v4.1: 14,003 of 1,600,692 alleles (0.87%); highest among the groups gnomAD compares: Non-Finnish European, 1.1%; 91 homozygotes.

Submission:

PreventionGenetics, part of Exact Sciences
Classification: Benign for DNMBP-related condition. Last evaluated: 2019-02-22. Review status: no assertion criteria provided. Collection method: clinical testing. Allele origin: germline.
Comment: This variant is classified as benign based on ACMG/AMP sequence variant interpretation guidelines (Richards et al. 2015 PMID: 25741868, with internal and published modifications).